The following is an entry in ClinVar:

NM_006214.4(PHYH):c.303G>T (p.Met101Ile)

Gene: PHYH (phytanoyl-CoA 2-hydroxylase; minus strand). Cytogenetic location: 10p13.
Variant type: single nucleotide variant.
Coding change: c.303G>T on transcript NM_006214.4 (MANE Select); coding-DNA position 303, G replaced by T.
Protein change: p.Met101Ile; replaces methionine 101 with isoleucine.
Molecular consequence: missense variant. On other transcripts: initiator codon variant (3).
Genome position (GRCh38, 1-based): chr10:13,294,539, C>A on the plus strand (G>T on the coding strand, the complement: PHYH is on the minus strand). VCF-style: chr10-13294539-C-A. GRCh37 (hg19) VCF-style: chr10-13336539-C-A.
Other names: c.3G>T, p.Met1Ile (NM_001037537.2, NM_001323080.2, NM_001323084.2); c.303G>T, p.Met101Ile (NM_001323082.2, NM_001323083.2); c.303G>T (NM_006214.3); short protein forms M1I, M101I.
Identifiers: ClinVar variation 1931882 (VCV001931882.4), dbSNP rs765864318, ClinGen allele CA376037228.
Genomic context (GRCh38, chr10:13,294,539, plus strand): 5'-GACCTTCGTGATCATCTTCTCACTTGGAGCATATTCGGATTTCGAAATGGTCACATCTCT[C>A]ATTACTGTTAATCCTAATGGTTTCACCTCCTTTCTGCAGATTTTTTCAAACTCATTCCTA-3'
Protein context (NP_006205.1, residues 91-111): KEVKPLGLTV[Met101Ile]RDVTISKSEY

ClinVar aggregate classification (germline): Uncertain significance. Review status: criteria provided, multiple submitters, no conflicts (2 of 4 stars). 2 submissions from 2 submitters: Uncertain significance (2). Last evaluated 2025-12-22.

Conditions:
Inborn genetic diseases. Identifiers: MedGen C0950123, MeSH D030342.

Allele frequency attached by ClinVar (database versions not stated): gnomAD exomes below 0.00001.

Submissions (2):

Ambry Genetics
Classification: Uncertain significance for Inborn genetic diseases. Last evaluated: 2025-12-22. Review status: criteria provided, single submitter. Criteria: Ambry Variant Classification Scheme 2023. Collection method: clinical testing. Allele origin: germline.

Labcorp Genetics (formerly Invitae), Labcorp
Classification: Uncertain significance. Last evaluated: 2022-07-25. Review status: criteria provided, single submitter. Criteria: Invitae Variant Classification Sherloc (09022015). Collection method: clinical testing. Allele origin: germline.
Comment: This sequence change replaces methionine, which is neutral and non-polar, with isoleucine, which is neutral and non-polar, at codon 101 of the PHYH protein (p.Met101Ile). This variant is present in population databases (no rsID available, gnomAD 0.006%). This variant has not been reported in the literature in individuals affected with PHYH-related conditions. Algorithms developed to predict the effect of missense changes on protein structure and function are either unavailable or do not agree on the potential impact of this missense change (SIFT: "Deleterious"; PolyPhen-2: "Benign"; Align-GVGD: "Class C0"). In summary, the available evidence is currently insufficient to determine the role of this variant in disease. Therefore, it has been classified as a Variant of Uncertain Significance.